The following is an entry in ClinVar:

NM_000426.4(LAMA2):c.8226del (p.Thr2743fs)

Gene: LAMA2 (laminin subunit alpha 2; plus strand). Cytogenetic location: 6q22.33.
Variant type: Deletion.
Coding change: c.8226del on transcript NM_000426.4 (MANE Select); coding-DNA position 8226, one base deleted (C; older notation c.8226delC).
Protein change: p.Thr2743fs; shifts the reading frame from threonine 2743.
Molecular consequence: frameshift variant.
Genome position (GRCh38, 1-based): chr6:129,492,465, C deleted; the last of 3 consecutive C bases (chr6:129,492,463-129,492,465); deleting any one gives the same sequence. VCF-style (leftmost placement, unchanged base first): chr6-129492462-GC-G. GRCh37 (hg19) VCF-style: chr6-129813607-GC-G.
Other names: c.8214del, p.Thr2739fs (NM_001079823.2); short protein forms T2739fs, T2743fs.
Identifiers: ClinVar variation 3764713 (VCV003764713.2).
Genomic context (GRCh38, chr6:129,492,462, plus strand): 5'-AGCAGCTCCAGCTGAAATAGTTATCCAGCCTGAGCCAGTTCCCACCCCAGCCTTTCCTAC[GC>G]CCACCCCAGTTCTGACACATGTAAGTGTTTATATTATCCCCATTGCTTTCTAATTTTTAC-3'

ClinVar aggregate classification (germline): Pathogenic (1 of 4 stars; one submission).

Conditions:
Merosin deficient congenital muscular dystrophy (MDC1A). Also called: Congenital Muscular Dystrophy Type 1A (MDC1A); Congenital merosin-deficient muscular dystrophy 1A. Identifiers: Orphanet 258, MedGen C1263858, MONDO:0011925, OMIM 607855.
Muscular dystrophy, limb-girdle, autosomal recessive 23. Identifiers: Orphanet 565837, MedGen C4748327, MONDO:0029136, OMIM 618138.

Submission:

Juno Genomics, Hangzhou Juno Genomics, Inc
Classification: Pathogenic for Merosin deficient congenital muscular dystrophy; Muscular dystrophy, limb-girdle, autosomal recessive 23. Review status: criteria provided, single submitter. Criteria: ACMG Guidelines, 2015. Collection method: clinical testing. Allele origin: germline. Affected: yes.
Comment: Absent from controls (or at extremely low frequency if recessive) in Genome Aggregation Database, Exome Sequencing Project, 1000 Genomes Project, or Exome Aggregation Consortium.;Null variant in a gene where loss of function (LOF) is a known mechanism of disease.;Patient's phenotype or family history is highly specific for a disease with a single genetic etiology.